The following is an entry in ClinVar:

ClinVar aggregate classification (germline): Conflicting classifications of pathogenicity. Review status: criteria provided, conflicting classifications (1 of 4 stars). 2 submissions from 2 submitters: Uncertain significance (1); Likely benign (1). Last evaluated 2025-05-29.

Conditions:
Idiopathic Pulmonary Fibrosis. Also called: Idiopathic fibrosing alveolitis, chronic form; idiopathic fibrosing alveolitis. Identifiers: Orphanet 2032, MedGen C1800706, MeSH D054990, MONDO:0800504.
Dyskeratosis congenita, autosomal dominant 2. Identifiers: MedGen C3151443, MONDO:0013521, OMIM 613989.
Dyskeratosis congenita. Identifiers: Orphanet 1775, MedGen C0265965, MONDO:0015780.

Allele frequency attached by ClinVar (database versions not stated): gnomAD exomes 0.00001; ExAC 0.00002; gnomAD 0.00003; TOPMed 0.00003.
gnomAD v4.1: 12 of 1,613,596 alleles (0.00074%); highest among the groups gnomAD compares: East Asian, 0.011%; no homozygotes.

Submissions (2):

Labcorp Genetics (formerly Invitae), Labcorp
Classification: Likely benign for Dyskeratosis congenita, autosomal dominant 2; Idiopathic Pulmonary Fibrosis. Last evaluated: 2025-05-29. Review status: criteria provided, single submitter. Criteria: Invitae Variant Classification Sherloc (09022015). Collection method: clinical testing. Allele origin: germline.

Sema4
Classification: Uncertain significance for Dyskeratosis congenita. Last evaluated: 2022-03-12. Review status: criteria provided, single submitter. Criteria: Sema4 Curation Guidelines. Collection method: curation. Allele origin: germline.
Comment: The TERT c.3033-13G>A variant has not been reported in the literature to our knowledge. It was observed in 3/19522 chromosomes of the East Asian subpopulation in the large and broad cohorts of the Genome Aggregation Database (PMID: 32461654). The variant has not been reported in ClinVar. In silico tools suggest the variant does not have an impact on splicing, though these predictions have not been confirmed by functional studies. The evidence is insufficient to meet ACMG/AMP criteria for classifying the variant as benign or pathogenic. Thus, the clinical significance of this variant is currently uncertain.

NM_198253.3(TERT):c.3033-13G>A

Gene: TERT (telomerase reverse transcriptase; minus strand). Cytogenetic location: 5p15.33.
Variant type: single nucleotide variant.
Coding change: c.3033-13G>A on transcript NM_198253.3 (MANE Select); 13 bases into the intron before coding-DNA position 3033, G replaced by A.
Molecular consequence: intron variant.
Genome position (GRCh38, 1-based): chr5:1,255,424, C>T on the plus strand (G>A on the coding strand, the complement: TERT is on the minus strand). VCF-style: chr5-1255424-C-T. GRCh37 (hg19) VCF-style: chr5-1255539-C-T.
Other names: c.2844-13G>A (NM_001193376.3).
Identifiers: ClinVar variation 1591580 (VCV001591580.9), dbSNP rs746630679, ClinGen allele CA3184297.